The following is an entry in ClinVar:

ClinVar aggregate classification (germline): Uncertain significance. Review status: criteria provided, multiple submitters, no conflicts (2 of 4 stars). 2 submissions from 2 submitters: Uncertain significance (2). Last evaluated 2026-05-19.

Conditions:
Hereditary cancer-predisposing syndrome. Also called: Hereditary Cancer Syndrome; Hereditary neoplastic syndrome; Neoplastic Syndromes, Hereditary; Tumor predisposition. Identifiers: Orphanet 140162, MedGen C0027672, MeSH D009386, MONDO:0015356.

Submissions (2):

Ambry Genetics
Classification: Uncertain significance for Hereditary cancer-predisposing syndrome. Last evaluated: 2026-05-19. Review status: criteria provided, single submitter. Criteria: Ambry Variant Classification Scheme 2023. Collection method: clinical testing. Allele origin: germline.
Comment: The p.G78V variant (also known as c.233G>T), located in coding exon 2 of the NTHL1 gene, results from a G to T substitution at nucleotide position 233. The glycine at codon 78 is replaced by valine, an amino acid with dissimilar properties. This amino acid position is conserved. In addition, this alteration is predicted to be tolerated by in silico analysis. Based on the available evidence, the clinical significance of this variant remains unclear.

Labcorp Genetics (formerly Invitae), Labcorp
Classification: Uncertain significance. Last evaluated: 2024-10-29. Review status: criteria provided, single submitter. Criteria: Invitae Variant Classification Sherloc (09022015). Collection method: clinical testing. Allele origin: germline.
Comment: This sequence change replaces glycine, which is neutral and non-polar, with valine, which is neutral and non-polar, at codon 78 of the NTHL1 protein (p.Gly78Val). This variant is not present in population databases (gnomAD no frequency). This variant has not been reported in the literature in individuals affected with NTHL1-related conditions. An algorithm developed to predict the effect of missense changes on protein structure and function (PolyPhen-2) suggests that this variant is likely to be tolerated. In summary, the available evidence is currently insufficient to determine the role of this variant in disease. Therefore, it has been classified as a Variant of Uncertain Significance.

NM_002528.7(NTHL1):c.209G>T (p.Gly70Val)

Gene: NTHL1 (nth like DNA glycosylase 1; minus strand). Cytogenetic location: 16p13.3.
Variant type: single nucleotide variant.
Coding change: c.209G>T on transcript NM_002528.7 (MANE Select); coding-DNA position 209, G replaced by T.
Protein change: p.Gly70Val; replaces glycine 70 with valine.
Molecular consequence: missense variant. On other transcripts: intron variant (1).
Genome position (GRCh38, 1-based): chr16:2,046,273, C>A on the plus strand (G>T on the coding strand, the complement: NTHL1 is on the minus strand). VCF-style: chr16-2046273-C-A. GRCh37 (hg19) VCF-style: chr16-2096274-C-A.
Other names: c.233G>T (NM_002528.5); c.209G>T, p.Gly70Val (NM_001318193.2); c.24+7G>T (NM_001318194.2); short protein forms G70V.
Identifiers: ClinVar variation 3724043 (VCV003724043.3).
Genomic context (GRCh38, chr16:2,046,273, plus strand): 5'-TTGACCAGCTGTTGCTGCCAGTCCTGGGGCTCCCAGACTGGCACCTTGAGGGGCTCAGCC[C>A]CCTCACCTTTCTCACTGTCCGAGCCCTCATAGGCCACACGCAGTCTCTGTGCTTTCCGCG-3'
Protein context (NP_002519.2, residues 60-80): YEGSDSEKGE[Gly70Val]AEPLKVPVWE